The following is an entry in ClinVar:

ClinVar aggregate classification (germline): Uncertain significance (1 of 4 stars; one submission).

Conditions:
Dihydropteridine reductase deficiency (HPABH4C). Also called: Phenylketonuria II; Hyperphenylalaninemia due to dihydropteridine reductase deficiency; Hyperphenylalaninemia, BH-4-deficient, C; Phenylketonuria type 2; DHPR DEFICIENCY; BH4-Deficient Hyperphenylalaninemia C. Identifiers: Orphanet 226, Orphanet 238583, MedGen C0268465, MONDO:0009862, OMIM 261630.

Submission:

3billion
Classification: Uncertain significance for Dihydropteridine reductase deficiency. Last evaluated: 2025-12-15. Review status: criteria provided, single submitter. Criteria: ACMG Guidelines, 2015. Collection method: clinical testing. Allele origin: germline. Affected: yes.
Comment: The variant is not observed in the gnomAD v4.1.0 dataset. Predicted Consequence/Location: Missense variant In silico tool predictions suggest damaging effect of the variant on gene or gene product [REVEL: 0.66 (>=0.6, sensitivity 0.68 and specificity 0.92); 3Cnet: 0.05 (> 0.75, sensitivity 0.96 and precision 0.92)]. A different missense change at the same codon (p.Gln66Arg) has been reported to be associated with QDPR-related disorder (PMID: 11153907). Therefore, this variant is classified as VUS according to the recommendation of ACMG/AMP guideline.

Literature cited by the submitters: PubMed 11153907.

NM_000320.3(QDPR):c.198G>C (p.Gln66His)

Gene: QDPR (quinoid dihydropteridine reductase; minus strand). Cytogenetic location: 4p15.32.
Variant type: single nucleotide variant.
Coding change: c.198G>C on transcript NM_000320.3 (MANE Select); coding-DNA position 198, G replaced by C.
Protein change: p.Gln66His; replaces glutamine 66 with histidine.
Molecular consequence: missense variant. On other transcripts: non-coding transcript variant (1), intron variant (1).
Genome position (GRCh38, 1-based): chr4:17,509,271, C>G on the plus strand (G>C on the coding strand, the complement: QDPR is on the minus strand). VCF-style: chr4-17509271-C-G. GRCh37 (hg19) VCF-style: chr4-17510894-C-G.
Other names: c.105+2679G>C (NM_001306140.2); short protein forms Q66H.
Identifiers: ClinVar variation 4854433 (VCV004854433.1).